The following is an entry in ClinVar:

NM_005431.2(XRCC2):c.703G>T (p.Val235Leu)

Gene: XRCC2 (X-ray repair cross complementing 2; minus strand). Cytogenetic location: 7q36.1.
Variant type: single nucleotide variant.
Coding change: c.703G>T on transcript NM_005431.2 (MANE Select); coding-DNA position 703, G replaced by T.
Protein change: p.Val235Leu; replaces valine 235 with leucine.
Molecular consequence: missense variant.
Genome position (GRCh38, 1-based): chr7:152,648,782, C>A on the plus strand (G>T on the coding strand, the complement: XRCC2 is on the minus strand). VCF-style: chr7-152648782-C-A. GRCh37 (hg19) VCF-style: chr7-152345867-C-A.
Other names: short protein forms V235L.
Identifiers: ClinVar variation 1756834 (VCV001756834.4), dbSNP rs1590129276, ClinGen allele CA370198130.

ClinVar aggregate classification (germline): Uncertain significance (1 of 4 stars; one submission).

Conditions:
Hereditary cancer-predisposing syndrome. Also called: Neoplastic Syndromes, Hereditary; Tumor predisposition; Hereditary Cancer Syndrome; Hereditary neoplastic syndrome. Identifiers: Orphanet 140162, MedGen C0027672, MeSH D009386, MONDO:0015356.

gnomAD v4.1: 2 of 1,614,152 alleles (0.00012%); highest among the groups gnomAD compares: Non-Finnish European, 0.00017%; no homozygotes.

Submission:

Ambry Genetics
Classification: Uncertain significance for Hereditary cancer-predisposing syndrome. Last evaluated: 2025-09-21. Review status: criteria provided, single submitter. Criteria: Ambry Variant Classification Scheme 2023. Collection method: clinical testing. Allele origin: germline.
Comment: The p.V235L variant (also known as c.703G>T), located in coding exon 3 of the XRCC2 gene, results from a G to T substitution at nucleotide position 703. The valine at codon 235 is replaced by leucine, an amino acid with highly similar properties. This amino acid position is highly conserved in available vertebrate species. In addition, this alteration is predicted to be tolerated by in silico analysis. Since supporting evidence is limited at this time, the clinical significance of this alteration remains unclear.